The following is an entry in ClinVar:

NM_001330700.2(TOP2B):c.4615+6G>T

Gene: TOP2B (DNA topoisomerase II beta; minus strand). Cytogenetic location: 3p24.2.
Variant type: single nucleotide variant.
Coding change: c.4615+6G>T on transcript NM_001330700.2 (MANE Select); 6 bases into the intron after coding-DNA position 4615, G replaced by T.
Molecular consequence: intron variant.
Genome position (GRCh38, 1-based): chr3:25,601,094, C>A on the plus strand (G>T on the coding strand, the complement: TOP2B is on the minus strand). VCF-style: chr3-25601094-C-A. GRCh37 (hg19) VCF-style: chr3-25642585-C-A.
Other names: c.4600+6G>T (NM_001068.3).
Identifiers: ClinVar variation 3675007 (VCV003675007.2).

ClinVar aggregate classification (germline): Uncertain significance (1 of 4 stars; one submission).

gnomAD v4.1: 1 of 1,612,854 alleles (0.000062%); highest among the groups gnomAD compares: East Asian, 0.0022%; no homozygotes.

Submission:

Labcorp Genetics (formerly Invitae), Labcorp
Classification: Uncertain significance. Last evaluated: 2024-02-17. Review status: criteria provided, single submitter. Criteria: Invitae Variant Classification Sherloc (09022015). Collection method: clinical testing. Allele origin: germline.
Comment: This sequence change falls in intron 34 of the TOP2B gene. It does not directly change the encoded amino acid sequence of the TOP2B protein. It affects a nucleotide within the consensus splice site. The frequency data for this variant in the population databases is considered unreliable, as metrics indicate poor data quality at this position in the gnomAD database. This variant has not been reported in the literature in individuals affected with TOP2B-related conditions. Variants that disrupt the consensus splice site are a relatively common cause of aberrant splicing (PMID: 17576681, 9536098). Algorithms developed to predict the effect of sequence changes on RNA splicing suggest that this variant is not likely to affect RNA splicing. In summary, the available evidence is currently insufficient to determine the role of this variant in disease. Therefore, it has been classified as a Variant of Uncertain Significance.

Literature cited by the submitters: PubMed 17576681; PubMed 9536098.